The following is an entry in ClinVar:

ClinVar aggregate classification (germline): Uncertain significance (1 of 4 stars; one submission).

Submission:

Labcorp Genetics (formerly Invitae), Labcorp
Classification: Uncertain significance. Last evaluated: 2023-12-11. Review status: criteria provided, single submitter. Criteria: Invitae Variant Classification Sherloc (09022015). Collection method: clinical testing. Allele origin: germline.
Comment: This sequence change replaces glycine, which is neutral and non-polar, with cysteine, which is neutral and slightly polar, at codon 196 of the BCS1L protein (p.Gly196Cys). This variant is not present in population databases (gnomAD no frequency). This variant has not been reported in the literature in individuals affected with BCS1L-related conditions. ClinVar contains an entry for this variant (Variation ID: 1713397). Advanced modeling of protein sequence and biophysical properties (such as structural, functional, and spatial information, amino acid conservation, physicochemical variation, residue mobility, and thermodynamic stability) performed at Invitae indicates that this missense variant is expected to disrupt BCS1L protein function with a positive predictive value of 95%. In summary, the available evidence is currently insufficient to determine the role of this variant in disease. Therefore, it has been classified as a Variant of Uncertain Significance.

NM_001079866.2(BCS1L):c.586G>T (p.Gly196Cys)

Gene: BCS1L (BCS1 ubiquinol-cytochrome c reductase complex chaperone; plus strand). Cytogenetic location: 2q35.
Variant type: single nucleotide variant.
Coding change: c.586G>T on transcript NM_001079866.2 (MANE Select); coding-DNA position 586, G replaced by T.
Protein change: p.Gly196Cys; replaces glycine 196 with cysteine.
Molecular consequence: missense variant. On other transcripts: non-coding transcript variant (1).
Genome position (GRCh38, 1-based): chr2:218,661,884, G>T. VCF-style: chr2-218661884-G-T. GRCh37 (hg19) VCF-style: chr2-219526607-G-T.
Other names: c.586G>T, p.Gly196Cys (NM_001257342.2, NM_001257343.2, NM_001257344.2 and 10 more transcripts); c.226G>T, p.Gly76Cys (NM_001318836.2, NM_001371451.1); c.85G>T, p.Gly29Cys (NM_001371452.1, NM_001371453.1, NM_001371454.1 and 3 more transcripts); short protein forms G196C, G29C, G76C.
Identifiers: ClinVar variation 1713397 (VCV001713397.5), dbSNP rs905754039, ClinGen allele CA350627442.